The following is an entry in ClinVar:

ClinVar aggregate classification (germline): Uncertain significance (1 of 4 stars; one submission).

Allele frequency attached by ClinVar (database versions not stated): gnomAD exomes below 0.00001 and 0.00001; ExAC 0.00001; gnomAD 0.00005; TOPMed 0.00006; 1000 Genomes Project 30x 0.00016; 1000 Genomes Project 0.00020.
gnomAD v4.1: 13 of 1,614,174 alleles (0.00081%); highest among the groups gnomAD compares: African/African-American, 0.015%; no homozygotes.

Submission:

Labcorp Genetics (formerly Invitae), Labcorp
Classification: Uncertain significance. Last evaluated: 2025-07-29. Review status: criteria provided, single submitter. Criteria: Invitae Variant Classification Sherloc (09022015). Collection method: clinical testing. Allele origin: germline.
Comment: This sequence change replaces serine, which is neutral and polar, with proline, which is neutral and non-polar, at codon 854 of the DDX58 protein (p.Ser854Pro). This variant is present in population databases (rs201726738, gnomAD 0.02%). This variant has not been reported in the literature in individuals affected with DDX58-related conditions. ClinVar contains an entry for this variant (Variation ID: 1417317). Invitae Evidence Modeling of protein sequence and biophysical properties (such as structural, functional, and spatial information, amino acid conservation, physicochemical variation, residue mobility, and thermodynamic stability) indicates that this missense variant is not expected to disrupt DDX58 protein function with a negative predictive value of 80%. In summary, the available evidence is currently insufficient to determine the role of this variant in disease. Therefore, it has been classified as a Variant of Uncertain Significance.

NM_014314.4(RIGI):c.2560T>C (p.Ser854Pro)

Gene: RIGI (RNA sensor RIG-I; minus strand). Cytogenetic location: 9p21.1.
Variant type: single nucleotide variant.
Coding change: c.2560T>C on transcript NM_014314.4 (MANE Select); coding-DNA position 2560, T replaced by C.
Protein change: p.Ser854Pro; replaces serine 854 with proline.
Molecular consequence: missense variant.
Genome position (GRCh38, 1-based): chr9:32,457,340, A>G on the plus strand (T>C on the coding strand, the complement: RIGI is on the minus strand). VCF-style: chr9-32457340-A-G. GRCh37 (hg19) VCF-style: chr9-32457338-A-G.
Other names: c.2554T>C, p.Ser852Pro (NM_001385907.1); c.2389T>C, p.Ser797Pro (NM_001385909.1); c.2119T>C, p.Ser707Pro (NM_001385910.1); c.1951T>C, p.Ser651Pro (NM_001385912.1); c.2545T>C, p.Ser849Pro (NM_001385913.1); c.2116T>C, p.Ser706Pro (NM_001385914.1); short protein forms S849P, S706P, S854P, S651P, S707P, S797P, S852P.
Identifiers: ClinVar variation 1417317 (VCV001417317.6), dbSNP rs201726738, ClinGen allele CA5019457.